The following is an entry in ClinVar:

NM_014141.6(CNTNAP2):c.1709C>G (p.Ser570Trp)

Gene: CNTNAP2 (contactin associated protein 2; plus strand). Cytogenetic location: 7q35.
Variant type: single nucleotide variant.
Coding change: c.1709C>G on transcript NM_014141.6 (MANE Select); coding-DNA position 1709, C replaced by G.
Protein change: p.Ser570Trp; replaces serine 570 with tryptophan.
Molecular consequence: missense variant.
Genome position (GRCh38, 1-based): chr7:147,485,973, C>G. VCF-style: chr7-147485973-C-G. GRCh37 (hg19) VCF-style: chr7-147183065-C-G.
Other names: p.S570W:TCG>TGG; short protein forms S570W.
Identifiers: ClinVar variation 205247 (VCV000205247.11), dbSNP rs377627481, ClinGen allele CA314128.
Genomic context (GRCh38, chr7:147,485,973, plus strand): 5'-TGTTTGTCTCTCTCTCTGACAGATGTGTGCCCAATCACTGTGAGCATGGTGGAAAGTGCT[C>G]GCAAACATGGGACAGCTTCAAATGCACTTGTGATGAGACAGGATACAGTGGGGCCACCTG-3'
Protein context (NP_054860.1, residues 560-580): PNHCEHGGKC[Ser570Trp]QTWDSFKCTC

ClinVar aggregate classification (germline): Uncertain significance. Review status: criteria provided, multiple submitters, no conflicts (2 of 4 stars). 2 submissions from 2 submitters: Uncertain significance (2). Last evaluated 2020-03-20.

Conditions:
Cortical dysplasia-focal epilepsy syndrome (PTHSL1). Also called: Pitt-Hopkins-like syndrome 1. Identifiers: Orphanet 163681, Orphanet 221150, MedGen C2750246, MONDO:0012400, OMIM 610042.

Allele frequency attached by ClinVar (database versions not stated): TOPMed 0.00001.
gnomAD v4.1: 15 of 1,613,850 alleles (0.00093%); highest among the groups gnomAD compares: African/African-American, 0.0013%; no homozygotes.

Submissions (2):

Labcorp Genetics (formerly Invitae), Labcorp
Classification: Uncertain significance for Cortical dysplasia-focal epilepsy syndrome. Last evaluated: 2020-03-20. Review status: criteria provided, single submitter. Criteria: Invitae Variant Classification Sherloc (09022015). Collection method: clinical testing. Allele origin: germline.
Comment: In summary, the available evidence is currently insufficient to determine the role of this variant in disease. Therefore, it has been classified as a Variant of Uncertain Significance. Algorithms developed to predict the effect of missense changes on protein structure and function are either unavailable or do not agree on the potential impact of this missense change (SIFT: "Deleterious"; PolyPhen-2: "Probably Damaging"; Align-GVGD: "Class C0"). This variant has not been reported in the literature in individuals with CNTNAP2-related conditions. ClinVar contains an entry for this variant (Variation ID: 205247). This variant is not present in population databases (ExAC no frequency). This sequence change replaces serine with tryptophan at codon 570 of the CNTNAP2 protein (p.Ser570Trp). The serine residue is moderately conserved and there is a large physicochemical difference between serine and tryptophan.

GeneDx
Classification: Uncertain significance. Last evaluated: 2014-09-12. Review status: criteria provided, single submitter. Criteria: GeneDx Variant Classification (06012015). Collection method: clinical testing. Allele origin: germline. Affected: yes.
Comment: p.Ser570Trp (TCG>TGG): c.1709 C>G in exon 11 of the CNTNAP2 gene (NM_014141.5). The S570W variant has not been published as a mutation, nor has it been reported as a benign polymorphism to our knowledge. It was not observed in approximately 6,500 individuals of European and African American ancestry in the NHLBI Exome Sequencing Project, indicating it is not a common benign variant in these populations. The S570W variant is a non-conservative amino acid substitution, which is likely to impact secondary protein structure as these residues differ in polarity, charge, size and/or other properties. This substitution occurs at a position that is conserved through mammals. In silico analysis predicts this variant is probably damaging to the protein structure/function. However, missense mutations in nearby residues have notbeen reported. Therefore, based on the currently available information, it is unclear whether this variant is a pathogenic mutation or a rare benign variant. The variant is found in EPILEPSY panel(s).